The following is an entry in ClinVar:

ClinVar aggregate classification (germline): Pathogenic/Likely pathogenic. Review status: criteria provided, multiple submitters, no conflicts (2 of 4 stars). 3 submissions from 3 submitters: Pathogenic (1); Likely pathogenic (2). Last evaluated 2024-11-19.

Conditions:
Familial cancer of breast. Also called: hereditary breast carcinoma; Hereditary breast cancer; BREAST CANCER, FAMILIAL. Identifiers: Orphanet 227535, MedGen C0346153, MONDO:0016419, OMIM 114480. Disease mechanism: loss of function.
Hereditary cancer-predisposing syndrome. Also called: Neoplastic Syndromes, Hereditary; Hereditary neoplastic syndrome; Hereditary Cancer Syndrome; Tumor predisposition. Identifiers: Orphanet 140162, MedGen C0027672, MeSH D009386, MONDO:0015356.

Submissions (3):

Myriad Genetics, Inc.
Classification: Likely pathogenic for Familial cancer of breast. Last evaluated: 2024-11-19. Review status: criteria provided, single submitter. Criteria: Myriad Autosomal Dominant, Autosomal Recessive and X-Linked Classification Criteria (2023). Collection method: clinical testing. Allele origin: unknown.
Comment: This variant is considered likely pathogenic. This variant occurs within a consensus splice junction and is predicted to result in abnormal mRNA splicing of either an out-of-frame exon or an in-frame exon necessary for protein stability and/or normal function.

Ambry Genetics
Classification: Likely pathogenic for Hereditary cancer-predisposing syndrome. Last evaluated: 2019-02-28. Review status: criteria provided, single submitter. Criteria: Ambry Variant Classification Scheme 2023. Collection method: clinical testing. Allele origin: germline.
Comment: The c.6096-2A>G intronic variant results from an A to G substitution two nucleotides upstream from coding exon 41 in the ATM gene. This nucleotide position is highly conserved in available vertebrate species. Using the BDGP and ESEfinder splice site prediction tools, this alteration is predicted to abolish the native splice acceptor site; however, direct evidence is unavailable. Alterations that disrupt the canonical splice site are expected to cause aberrant splicing, resulting in an abnormal protein or a transcript that is subject to nonsense-mediated mRNA decay. As such, this alteration is classified as likely pathogenic.

GeneDx
Classification: Pathogenic. Last evaluated: 2015-05-07. Review status: criteria provided, single submitter. Criteria: GeneDx Variant Classification (06012015). Collection method: clinical testing. Allele origin: germline. Affected: yes.
Comment: The ATM c.6096-2A>G variant destroys a canonical spliceacceptor site and is predicted to cause abnormal gene splicing, leading to either an abnormal message that is subjectto nonsense-mediated mRNA decay or to an abnormal protein product. This variant has not, to our knowledge,been published in the literature, however we consider it to be pathogenic.

NM_000051.4(ATM):c.6096-2A>G

Genes: ATM (ATM serine/threonine kinase; plus strand), C11orf65 (chromosome 11 open reading frame 65; minus strand). Cytogenetic location: 11q22.3.
Variant type: single nucleotide variant.
Coding change: c.6096-2A>G on transcript NM_000051.4 (MANE Select); the canonical splice acceptor site of the intron before coding-DNA position 6096, A replaced by G.
Molecular consequence: splice acceptor variant. On other transcripts: intron variant (2).
Genome position (GRCh38, 1-based): chr11:108,316,009, A>G. VCF-style: chr11-108316009-A-G. GRCh37 (hg19) VCF-style: chr11-108186736-A-G.
Other names: c.6096-2A>G (NM_001351834.2); c.641-6938T>C (NM_001330368.2); c.*39-6938T>C (NM_001351110.2).
Identifiers: ClinVar variation 379710 (VCV000379710.8), dbSNP rs1057520704, ClinGen allele CA501172.
Genomic context (GRCh38, chr11:108,316,009, plus strand): 5'-TGTTTATGAAGGAGTTATGTGTGTGTAAAACCCAAAGCTATTTTCACAATCTTTTCTTAT[A>G]GACTACGAACATATGAACACGAAGCAATGTGGGGCAAAGCCCTAGTAACATATGACCTCG-3'